The following is an entry in ClinVar:

NM_001005242.3(PKP2):c.1034+4del

Gene: PKP2 (plakophilin 2; minus strand). Cytogenetic location: 12p11.21.
Variant type: Deletion.
Coding change: c.1034+4del on transcript NM_001005242.3 (MANE Select); 4 bases into the intron after coding-DNA position 1034, one base deleted (A; older notation c.1034+4delA).
Molecular consequence: intron variant.
Genome position (GRCh38, 1-based): chr12:32,877,842, T deleted on the plus strand (A on the coding strand, the reverse complement: PKP2 is on the minus strand); the first of 2 consecutive T bases (chr12:32,877,842-32,877,843); deleting either gives the same sequence. VCF-style (leftmost placement, unchanged base first): chr12-32877841-CT-C. GRCh37 (hg19) VCF-style: chr12-33030775-CT-C.
Other names: c.1034+4delA (NM_004572.3); c.1034+4del (NM_004572.4).
Identifiers: ClinVar variation 45004 (VCV000045004.13), dbSNP rs397516983, ClinGen allele CA010708.
Genomic context (GRCh38, chr12:32,877,841, plus strand): 5'-TGTCAGGGCTGTGGGAACAGAATGTGCTGGCAATGACTGAACTGCAGAGTCAGGAGGGGA[CT>C]TACCCCAGCTGGGAGTCAGTGAAAGTGCTTCTCTCAGTGAGCAGATTCCCACTTCCCCCT-3'

ClinVar aggregate classification (germline): Conflicting classifications of pathogenicity. Review status: criteria provided, conflicting classifications (1 of 4 stars). 3 submissions from 3 submitters: Likely pathogenic (1); Uncertain significance (1). 1 of the submissions does not count toward it. Last evaluated 2026-05-08.

Conditions:
Arrhythmogenic right ventricular dysplasia 9 (ARVD9). Also called: Arrhythmogenic Right Ventricular Dysplasia/Cardiomyopathy 9; ARRHYTHMOGENIC RIGHT VENTRICULAR DYSPLASIA, FAMILIAL, 9. Identifiers: MedGen C1836906, MONDO:0012180, OMIM 609040.

Submissions (3):

GeneDx
Classification: Likely pathogenic. Last evaluated: 2026-05-08. Review status: criteria provided, single submitter. Criteria: GeneDx Variant Classification Process June 2021. Collection method: clinical testing. Allele origin: germline.
Comment: Intronic variant directly or indirectly altering the +5 splice site in a gene for which loss of function is a known mechanism of disease, and splice predictors support a deleterious effect; Not observed at significant frequency in large population cohorts (gnomAD); Has not been previously published as pathogenic or benign to our knowledge

Labcorp Genetics (formerly Invitae), Labcorp
Classification: Uncertain significance for Arrhythmogenic right ventricular dysplasia 9. Last evaluated: 2025-11-09. Review status: criteria provided, single submitter. Criteria: Invitae Variant Classification Sherloc (09022015). Collection method: clinical testing. Allele origin: germline.
Comment: This sequence change falls in intron 3 of the PKP2 gene. It does not directly change the encoded amino acid sequence of the PKP2 protein. It affects a nucleotide within the consensus splice site. This variant is present in population databases (rs397516983, gnomAD 0.003%). This variant has not been reported in the literature in individuals affected with PKP2-related conditions. ClinVar contains an entry for this variant (Variation ID: 45004). Variants that disrupt the consensus splice site are a relatively common cause of aberrant splicing (PMID: 17576681, 9536098). Algorithms developed to predict the effect of sequence changes on RNA splicing suggest that this variant may disrupt the consensus splice site. In summary, the available evidence is currently insufficient to determine the role of this variant in disease. Therefore, it has been classified as a Variant of Uncertain Significance.

Laboratory for Molecular Medicine, Mass General Brigham Personalized Medicine
Classification: Uncertain significance. Last evaluated: 2008-07-14. Review status: no assertion criteria provided. Collection method: clinical testing. Allele origin: germline. Observed: 2 variant alleles. Not counted in ClinVar's aggregate classification.

Literature cited by the submitters: PubMed 17576681 (cited by Labcorp Genetics (formerly Invitae), Labcorp); PubMed 9536098 (cited by Labcorp Genetics (formerly Invitae), Labcorp).